The following is an entry in ClinVar:

ClinVar aggregate classification (germline): Uncertain significance (1 of 4 stars; one submission).

Conditions:
Geleophysic dysplasia 2 (GPHYSD2). Identifiers: Orphanet 2623, MedGen C3280054, MONDO:0013612, OMIM 614185.
MASS syndrome (OCTD). Also called: MASS PHENOTYPE; OVERLAP CONNECTIVE TISSUE DISEASE. Identifiers: MedGen C1858556, MONDO:0011431, OMIM 604308.
Progeroid and marfanoid aspect-lipodystrophy syndrome. Also called: MARFANOID-PROGEROID-LIPODYSTROPHY SYNDROME; MARFANOID-PROGEROID SYNDROME; MARFAN-PROGEROID-LIPODYSTROPHY SYNDROME; Marfan lipodystrophy syndrome. Identifiers: Orphanet 300382, MedGen C4310796, MONDO:0014831, OMIM 616914.
Weill-Marchesani syndrome 2, dominant. Also called: FBN1-Related Weill-Marchesani Syndrome; Weill-Marchesani Syndrome, Autosomal Dominant. Identifiers: Orphanet 2084, MedGen C1869115, MONDO:0012013, OMIM 608328.
Stiff skin syndrome (SSKS). Identifiers: Orphanet 2833, MedGen C1861456, MONDO:0008492, OMIM 184900.
Acromicric dysplasia (ACMICD). Also called: Acromicric skeletal dysplasia. Identifiers: Orphanet 969, MedGen C0265287, MONDO:0007055, OMIM 102370.
Marfan syndrome (MFS). Also called: MARFAN SYNDROME, TYPE I; Marfan syndrome type 1; Marfan's syndrome; FBN1-Related Marfan Syndrome; Marfan syndrome, classic. Identifiers: Orphanet 284963, Orphanet 558, MedGen C0024796, MONDO:0007947, OMIM 154700.
Ectopia lentis 1, isolated, autosomal dominant (ECTOL1). Identifiers: Orphanet 1885, MedGen C3541518, MONDO:0007514, OMIM 129600.

Submission:

Juno Genomics, Hangzhou Juno Genomics, Inc
Classification: Uncertain significance for Stiff skin syndrome; Weill-Marchesani syndrome 2, dominant; Acromicric dysplasia; Ectopia lentis 1, isolated, autosomal dominant; Geleophysic dysplasia 2; Progeroid and marfanoid aspect-lipodystrophy syndrome; Marfan syndrome; MASS syndrome. Review status: criteria provided, single submitter. Criteria: ACMG Guidelines, 2015. Collection method: clinical testing. Allele origin: germline.
Comment: Absent from controls (or at extremely low frequency if recessive) in Genome Aggregation Database.;Missense variant in a gene that has a low rate of benign missense variation.;Multiple lines of computational evidence support a deleterious effect on the gene or gene product.

NM_000138.5(FBN1):c.4655A>C (p.Glu1552Ala)

Gene: FBN1 (fibrillin 1; minus strand). Cytogenetic location: 15q21.1.
Variant type: single nucleotide variant.
Coding change: c.4655A>C on transcript NM_000138.5 (MANE Select); coding-DNA position 4655, A replaced by C.
Protein change: p.Glu1552Ala; replaces glutamic acid 1552 with alanine.
Molecular consequence: missense variant.
Genome position (GRCh38, 1-based): chr15:48,468,030, T>G on the plus strand (A>C on the coding strand, the complement: FBN1 is on the minus strand). VCF-style: chr15-48468030-T-G. GRCh37 (hg19) VCF-style: chr15-48760227-T-G.
Other names: c.4655A>C, p.Glu1552Ala (NM_001406716.1); short protein forms E1552A.
Identifiers: ClinVar variation 5019484 (VCV005019484.2).